The following is an entry in ClinVar:

ClinVar aggregate classification (germline): Uncertain significance (1 of 4 stars; one submission).

Conditions:
Cardiovascular phenotype. Identifiers: MedGen CN230736.

gnomAD v4.1: 1 of 1,586,364 alleles (0.000063%); highest among the groups gnomAD compares: Admixed American, 0.0018%; no homozygotes.

Submission:

Ambry Genetics
Classification: Uncertain significance for Cardiovascular phenotype. Last evaluated: 2025-12-30. Review status: criteria provided, single submitter. Criteria: Ambry Variant Classification Scheme 2023. Collection method: clinical testing. Allele origin: germline.
Comment: The c.157C>G (p.Q53E) alteration is located in exon 2 (coding exon 2) of the CACNA1C gene. This alteration results from a C to G substitution at nucleotide position 157, causing the glutamine (Q) at amino acid position 53 to be replaced by a glutamic acid (E). Based on data from gnomAD, the G allele has an overall frequency of <0.001% (1/198228) total alleles studied. The highest observed frequency was 0.003% (1/29234) of Latino alleles. Based on insufficient or conflicting evidence, the clinical significance of this alteration remains unclear.

NM_000719.7(CACNA1C):c.157C>G (p.Gln53Glu)

Gene: CACNA1C (calcium voltage-gated channel subunit alpha1 C; plus strand). Cytogenetic location: 12p13.33.
Variant type: single nucleotide variant.
Coding change: c.157C>G on transcript NM_000719.7 (MANE Select); coding-DNA position 157, C replaced by G.
Protein change: p.Gln53Glu; replaces glutamine 53 with glutamic acid.
Molecular consequence: missense variant.
Genome position (GRCh38, 1-based): chr12:2,115,331, C>G. VCF-style: chr12-2115331-C-G. GRCh37 (hg19) VCF-style: chr12-2224497-C-G.
Other names: c.157C>G, p.Gln53Glu (NM_001129827.2, NM_001129829.2, NM_001129830.3 and 19 more transcripts); short protein forms Q53E.
Identifiers: ClinVar variation 4838852 (VCV004838852.1).